The following is an entry in ClinVar:

NM_000492.4(CFTR):c.3386T>G (p.Val1129Gly)

Genes: CFTR (CF transmembrane conductance regulator; plus strand), CFTR-AS2 (CFTR antisense RNA 2; minus strand). Cytogenetic location: 7q31.2.
Variant type: single nucleotide variant.
Coding change: c.3386T>G on transcript NM_000492.4 (MANE Select); coding-DNA position 3386, T replaced by G.
Protein change: p.Val1129Gly; replaces valine 1129 with glycine.
Molecular consequence: missense variant.
Genome position (GRCh38, 1-based): chr7:117,614,631, T>G. VCF-style: chr7-117614631-T-G. GRCh37 (hg19) VCF-style: chr7-117254685-T-G.
Other names: short protein forms V1129G.
Identifiers: ClinVar variation 3374779 (VCV003374779.1).
Genomic context (GRCh38, chr7:117,614,631, plus strand): 5'-GAAATAACATGAGGTTCATTTACGTCTTTTGTGCATCTATAGGAGAAGGAGAAGGAAGAG[T>G]TGGTATTATCCTGACTTTAGCCATGAATATCATGAGTACATTGCAGTGGGCTGTAAACTC-3'
Protein context (NP_000483.3, residues 1119-1139): ILTTGEGEGR[Val1129Gly]GIILTLAMNI

ClinVar aggregate classification (germline): Uncertain significance (1 of 4 stars; one submission).

gnomAD v4.1: 1 of 1,610,338 alleles (0.000062%); highest among the groups gnomAD compares: Non-Finnish European, 0.000085%; no homozygotes.

Submission:

Women's Health and Genetics/Laboratory Corporation of America, LabCorp
Classification: Uncertain significance. Last evaluated: 2024-09-30. Review status: criteria provided, single submitter. Criteria: LabCorp Variant Classification Summary - May 2015. Collection method: clinical testing. Allele origin: germline.
Comment: Variant summary: CFTR c.3386T>G (p.Val1129Gly) results in a non-conservative amino acid change located in the ABC transporter type 1, transmembrane domain (IPR011527) of the encoded protein sequence. Five of five in-silico tools predict a damaging effect of the variant on protein function. The variant was absent in 251080 control chromosomes. The available data on variant occurrences in the general population are insufficient to allow any conclusion about variant significance. To our knowledge, no occurrence of c.3386T>G in individuals affected with Cystic Fibrosis and no experimental evidence demonstrating its impact on protein function have been reported. No submitters have cited clinical-significance assessments for this variant to ClinVar. Based on the evidence outlined above, the variant was classified as uncertain significance.